The following is an entry in ClinVar:

NM_001353694.2(TIAM1):c.132G>A (p.Ser44=)

Gene: TIAM1 (TIAM Rac1 associated GEF 1; minus strand). Cytogenetic location: 21q22.11.
Variant type: single nucleotide variant.
Coding change: c.132G>A on transcript NM_001353694.2 (MANE Select); coding-DNA position 132, G replaced by A.
Protein change: p.Ser44=; no amino-acid change (serine 44 retained).
Molecular consequence: synonymous variant.
Genome position (GRCh38, 1-based): chr21:31,266,841, C>T on the plus strand (G>A on the coding strand, the complement: TIAM1 is on the minus strand). VCF-style: chr21-31266841-C-T. GRCh37 (hg19) VCF-style: chr21-32639157-C-T.
Other names: c.132G>A, p.Ser44= (NM_001353686.2, NM_001353687.2, NM_001353688.1 and 6 more transcripts).
Identifiers: ClinVar variation 3035279 (VCV003035279.2), dbSNP rs142183230, ClinGen allele CA9998730.
Genomic context (GRCh38, chr21:31,266,841, plus strand): 5'-GATGCTGGGGGTGCTGCTGGATCGGGTGCTCACTTCGGAGTTCCTGTGGATCACCTTCCC[C>T]GAGGAAGCGTGCCTGGTCCTCCGCGTCTTGTGCGAGAGGCGCAGGGAGCGGGAAGTGTGC-3'
Protein context (NP_001340623.1, residues 34-54): HKTRRTRHAS[Ser44=]GKVIHRNSEV

ClinVar aggregate classification (germline): Likely benign (0 of 4 stars; one submission).

Conditions:
TIAM1-related disorder. Also called: TIAM1-related condition.

Allele frequency attached by ClinVar (database versions not stated): TOPMed 0.00044; ExAC 0.00056; gnomAD 0.00058; 1000 Genomes Project 0.00060; 1000 Genomes Project 30x 0.00062; ESP Exome Variant Server 0.00069; gnomAD exomes 0.00090.
gnomAD v4.1: 1,391 of 1,614,148 alleles (0.086%); highest among the groups gnomAD compares: Non-Finnish European, 0.096%; 3 homozygotes.

Submission:

PreventionGenetics, part of Exact Sciences
Classification: Likely benign for TIAM1-related condition. Last evaluated: 2024-05-21. Review status: no assertion criteria provided. Collection method: clinical testing. Allele origin: germline.
Comment: This variant is classified as likely benign based on ACMG/AMP sequence variant interpretation guidelines (Richards et al. 2015 PMID: 25741868, with internal and published modifications).